The following is an entry in ClinVar:

NM_001278293.3(ARL6):c.40AAG[2] (p.Lys16del)

Gene: ARL6 (ARF like GTPase 6; plus strand). Cytogenetic location: 3q11.2.
Variant type: Microsatellite.
Coding change: c.40AAG[2] on transcript NM_001278293.3 (MANE Select); two copies in a row of the 3-base unit AAG starting at c.40; the reference has three copies in a row; one copy, 3 bases deleted.
Protein change: p.Lys16del; deletes lysine 16.
Molecular consequence: inframe deletion. On other transcripts: non-coding transcript variant (7).
Genome position (GRCh38, 1-based): chr3:97,768,153-97,768,155, AAG deleted; deleting any 3 consecutive bases within chr3:97,768,146-97,768,155 gives the same sequence; the position shown is the placement nearest the transcript's 3' end. VCF-style (leftmost placement, unchanged base first): chr3-97768145-TGAA-T. GRCh37 (hg19) VCF-style: chr3-97486989-TGAA-T.
Other names: c.40AAG[2], p.Lys16del (NM_001323513.2, NM_001323514.2, NM_032146.5 and 1 more transcripts); c.46_48delAAG (NM_032146.5, NM_001278293.3); short protein forms K16del.
Identifiers: ClinVar variation 838345 (VCV000838345.9), dbSNP rs748472414, ClinGen allele CA2505840.

ClinVar aggregate classification (germline): Uncertain significance. Review status: criteria provided, multiple submitters, no conflicts (2 of 4 stars). 4 submissions from 4 submitters: Uncertain significance (3). 1 of the submissions does not count toward it. Last evaluated 2022-07-18.

Conditions:
Retinitis pigmentosa 55 (RP55). Identifiers: Orphanet 791, MedGen C3150808, MONDO:0013312, OMIM 613575.
Bardet-Biedl syndrome 3 (BBS3). Identifiers: Orphanet 110, MedGen C1859564, MONDO:0010832, OMIM 600151.
ARL6-related disorder. Also called: ARL6-related condition.

Submissions (4):

Blueprint Genetics
Classification: Uncertain significance. Last evaluated: 2022-07-18. Review status: criteria provided, single submitter. Criteria: ACMG Guidelines, 2015. Collection method: clinical testing. Allele origin: germline.

Labcorp Genetics (formerly Invitae), Labcorp
Classification: Uncertain significance for Retinitis pigmentosa 55; Bardet-Biedl syndrome 3. Last evaluated: 2022-02-04. Review status: criteria provided, single submitter. Criteria: Invitae Variant Classification Sherloc (09022015). Collection method: clinical testing. Allele origin: germline.
Comment: This variant, c.46_48del, results in the deletion of 1 amino acid(s) of the ARL6 protein (p.Lys16del), but otherwise preserves the integrity of the reading frame. This variant is present in population databases (rs748472414, gnomAD 0.008%). This variant has not been reported in the literature in individuals affected with ARL6-related conditions. ClinVar contains an entry for this variant (Variation ID: 838345). Experimental studies and prediction algorithms are not available or were not evaluated, and the functional significance of this variant is currently unknown. In summary, the available evidence is currently insufficient to determine the role of this variant in disease. Therefore, it has been classified as a Variant of Uncertain Significance.

Genetics and Molecular Pathology, SA Pathology
Classification: Uncertain significance for Retinitis pigmentosa 55. Last evaluated: 2021-12-31. Review status: criteria provided, single submitter. Criteria: ACMG Guidelines, 2015. Collection method: clinical testing. Allele origin: germline. Affected: yes.

PreventionGenetics, part of Exact Sciences
Classification: Uncertain significance for ARL6-related condition. Last evaluated: 2024-09-13. Review status: no assertion criteria provided. Collection method: clinical testing. Allele origin: germline. Not counted in ClinVar's aggregate classification.
Comment: The ARL6 c.46_48delAAG variant is predicted to result in an in-frame deletion (p.Lys16del). To our knowledge, this variant has not been reported in the literature. This variant is reported in 0.016% of alleles in individuals of European (Finnish) descent in gnomAD. At this time, the clinical significance of this variant is uncertain due to the absence of conclusive functional and genetic evidence.